The following is an entry in ClinVar:

ClinVar aggregate classification (germline): Uncertain significance. Review status: criteria provided, multiple submitters, no conflicts (2 of 4 stars). 3 submissions from 3 submitters: Uncertain significance (3). Last evaluated 2025-06-04.

Conditions:
Malignant hyperthermia, susceptibility to, 1 (MHS1). Also called: Anesthesia related hyperthermia; Malignant hyperpyrexia; Fulminating hyperpyrexia; Pharmacogenic myopathy; RYR1-Related Malignant Hyperthermia Susceptibility; Malignant hyperthermia suceptibility 1. Identifiers: Orphanet 423, MedGen C2930980, MONDO:0007783, OMIM 145600.
RYR1-related disorder. Also called: RYR1-related condition; RYR1-related disorders. Identifiers: MedGen CN239331.

Allele frequency attached by ClinVar (database versions not stated): TOPMed below 0.00001; gnomAD 0.00001; gnomAD exomes 0.00001.

Submissions (3):

Labcorp Genetics (formerly Invitae), Labcorp
Classification: Uncertain significance for RYR1-related disorder. Last evaluated: 2025-06-04. Review status: criteria provided, single submitter. Criteria: Invitae Variant Classification Sherloc (09022015). Collection method: clinical testing. Allele origin: germline.
Comment: This sequence change replaces histidine, which is basic and polar, with tyrosine, which is neutral and polar, at codon 2584 of the RYR1 protein (p.His2584Tyr). This variant is present in population databases (no rsID available, gnomAD 0.0009%). This variant has not been reported in the literature in individuals affected with RYR1-related conditions. ClinVar contains an entry for this variant (Variation ID: 2175935). Invitae Evidence Modeling of protein sequence and biophysical properties (such as structural, functional, and spatial information, amino acid conservation, physicochemical variation, residue mobility, and thermodynamic stability) indicates that this missense variant is not expected to disrupt RYR1 protein function with a negative predictive value of 80%. In summary, the available evidence is currently insufficient to determine the role of this variant in disease. Therefore, it has been classified as a Variant of Uncertain Significance.

Color Diagnostics, LLC DBA Color Health
Classification: Uncertain significance for Malignant hyperthermia, susceptibility to, 1. Last evaluated: 2024-03-26. Review status: criteria provided, single submitter. Criteria: ACMG Guidelines, 2015. Collection method: clinical testing. Allele origin: germline.
Comment: This missense variant replaces histidine with tyrosine at codon 2584 of the RYR1 protein. Computational prediction suggests that this variant may have deleterious impact on protein structure and function (internally defined REVEL score threshold >= 0.7, PMID: 27666373). To our knowledge, functional studies have not been reported for this variant. This variant has not been reported in individuals affected with RYR1-related disorders in the literature. This variant has been identified in 1/250464 chromosomes in the general population by the Genome Aggregation Database (gnomAD). The available evidence is insufficient to determine the role of this variant in disease conclusively. Therefore, this variant is classified as a Variant of Uncertain Significance.

Revvity Omics, Revvity
Classification: Uncertain significance. Last evaluated: 2019-11-08. Review status: criteria provided, single submitter. Criteria: ACMG Guidelines, 2015. Collection method: clinical testing. Allele origin: germline.

NM_000540.3(RYR1):c.7750C>T (p.His2584Tyr)

Gene: RYR1 (ryanodine receptor 1; plus strand). Cytogenetic location: 19q13.2.
Variant type: single nucleotide variant.
Coding change: c.7750C>T on transcript NM_000540.3 (MANE Select); coding-DNA position 7750, C replaced by T.
Protein change: p.His2584Tyr; replaces histidine 2584 with tyrosine.
Molecular consequence: missense variant.
Genome position (GRCh38, 1-based): chr19:38,502,642, C>T. VCF-style: chr19-38502642-C-T. GRCh37 (hg19) VCF-style: chr19-38993282-C-T.
Other names: c.7750C>T, p.His2584Tyr (NM_001042723.2); short protein forms H2584Y.
Identifiers: ClinVar variation 2175935 (VCV002175935.8), dbSNP rs1330350845, ClinGen allele CA082591.
Genomic context (GRCh38, chr19:38,502,642, plus strand): 5'-AAGTGTGCGCCGCTCTTTGCGGGCACAGAACACCGCGCCATCATGGTGGACTCTATGCTG[C>T]ATACCGTGTACCGCCTGTCTCGGGGTCGTTCGCTCACCAAGGCGCAGCGTGACGTCATCG-3'
Protein context (NP_000531.2, residues 2574-2594): HRAIMVDSML[His2584Tyr]TVYRLSRGRS